The following is an entry in ClinVar:

NM_003000.3(SDHB):c.789del (p.Ile263fs)

Gene: SDHB (succinate dehydrogenase complex iron sulfur subunit B; minus strand). Cytogenetic location: 1p36.13.
Variant type: Deletion.
Coding change: c.789del on transcript NM_003000.3 (MANE Select); coding-DNA position 789, one base deleted (T; older notation c.789delT).
Protein change: p.Ile263fs; shifts the reading frame from isoleucine 263.
Molecular consequence: frameshift variant.
Genome position (GRCh38, 1-based): chr1:17,018,935, A deleted on the plus strand (T on the coding strand, the reverse complement: SDHB is on the minus strand); the first of 2 consecutive A bases (chr1:17,018,935-17,018,936); deleting either gives the same sequence. VCF-style (leftmost placement, unchanged base first): chr1-17018934-CA-C. GRCh37 (hg19) VCF-style: chr1-17345429-CA-C.
Other names: c.789delT (NM_003000.2); short protein forms I263fs.
Identifiers: ClinVar variation 934413 (VCV000934413.9), dbSNP rs2077946198, ClinGen allele CA1139655457.
Genomic context (GRCh38, chr1:17,018,934, plus strand): 5'-GAAACAGTTAAACTGAAGCTTTCTTCTCCTTATAGGTTGCCATCATTTTCTTGATCTCTG[CA>C]ATAGCTTTCCCTGGATTCAGACCCTTGAAAAAAGAGAAAAGAATCAATAACAAATGATAA-3'

ClinVar aggregate classification (germline): Conflicting classifications of pathogenicity. Review status: criteria provided, conflicting classifications (1 of 4 stars). 2 submissions from 2 submitters: Likely pathogenic (1); Uncertain significance (1). Last evaluated 2022-04-25.

Conditions:
Hereditary cancer-predisposing syndrome. Also called: Hereditary neoplastic syndrome; Neoplastic Syndromes, Hereditary; Hereditary Cancer Syndrome; Tumor predisposition. Identifiers: Orphanet 140162, MedGen C0027672, MeSH D009386, MONDO:0015356.
Gastrointestinal stromal tumor. Also called: Gastrointestinal stromal tumor, somatic; Gastrointestinal stroma tumor. Identifiers: Orphanet 44890, MedGen C0238198, MeSH D046152, MONDO:0011719, OMIM 606764, HP:0100723.
Pheochromocytoma/paraganglioma syndrome 4. Also called: CAROTID BODY TUMORS AND MULTIPLE EXTRAADRENAL PHEOCHROMOCYTOMAS; SDHB-Related Hereditary Paraganglioma-Pheochromocytoma Syndrome; Paragangliomas 4; SDHB-Related Hereditary Paraganglioma-Pheochromocytoma Syndrome (Paragangliomas 4); PARAGANGLIOMA, FAMILIAL MALIGNANT; PARAGANGLIOMAS, HEREDITARY EXTRAADRENAL. Identifiers: Orphanet 29072, MedGen C1861848, MONDO:0007273, OMIM 115310.
Pheochromocytoma. Also called: MAX-Related Hereditary Paraganglioma-Pheochromocytoma Syndrome. Identifiers: Orphanet 29072, MedGen C0031511, MONDO:0008233, OMIM 171300, HP:0002666.

Submissions (2):

Ambry Genetics
Classification: Likely pathogenic for Hereditary cancer-predisposing syndrome. Last evaluated: 2022-04-25. Review status: criteria provided, single submitter. Criteria: Ambry Variant Classification Scheme 2023. Collection method: clinical testing. Allele origin: germline.
Comment: The c.789delT variant, located in coding exon 8 of the SDHB gene, results from a deletion of one nucleotide at nucleotide position 789, causing a translational frameshift with a predicted alternate stop codon (p.I263Mfs*7). This alteration occurs at the 3' terminus of theSDHB gene, is not expected to trigger nonsense-mediated mRNA decay, and only impacts the last 18 amino acids of the protein. However, premature stop codons are typically deleterious in nature and the impacted region is critical for protein function (Ambry internal data). Based on internal structural analysis, the variant disrupts the protein-protein interaction (Inaoka DK et al. Int J Mol Sci, 2015 Jul;16:15287-308). In addition, multiple similar truncating alterations have been observed in individuals with a paraganglioma (Neumann HP et al. Cancer Res, 2009 Apr;69:3650-6; Rattenberry E et al. J Clin Endocrinol Metab, 2013 Jul;98:E1248-56; Ambry internal data). This variant is considered to be rare based on population cohorts in the Genome Aggregation Database (gnomAD). Based on the majority of available evidence to date, this variant is likely to be pathogenic.

Labcorp Genetics (formerly Invitae), Labcorp
Classification: Uncertain significance for Gastrointestinal stromal tumor; Pheochromocytoma/paraganglioma syndrome 4; Pheochromocytoma. Last evaluated: 2019-10-05. Review status: criteria provided, single submitter. Criteria: Invitae Variant Classification Sherloc (09022015). Collection method: clinical testing. Allele origin: germline.
Comment: This sequence change results in a premature translational stop signal in the SDHB gene (p.Ile263Metfs*7). While this is not anticipated to result in nonsense mediated decay, it is expected to disrupt the last 18 amino acids of the SDHB protein. This variant is not present in population databases (ExAC no frequency). This variant has not been reported in the literature in individuals with SDHB-related conditions. Experimental studies and prediction algorithms are not available or were not evaluated, and the functional significance of this variant is currently unknown. In summary, the available evidence is currently insufficient to determine the role of this variant in disease. Therefore, it has been classified as a Variant of Uncertain Significance.

Literature cited by the submitters: PubMed 19351833 (cited by Ambry Genetics); PubMed 23666964 (cited by Ambry Genetics); PubMed 26198225 (cited by Ambry Genetics).